The following is an entry in ClinVar:

ClinVar aggregate classification (germline): Uncertain significance (1 of 4 stars; one submission).

Conditions:
Retinitis pigmentosa 20 (RP20). Identifiers: Orphanet 791, MedGen C3151086, MONDO:0013425, OMIM 613794.
Leber congenital amaurosis 2 (LCA2). Also called: AMAUROSIS CONGENITA OF LEBER II; Autosomal Recessive RPE65-Related Retinal Degeneration. Identifiers: Orphanet 65, MedGen C1859844, MONDO:0008765, OMIM 204100. Disease mechanism: loss of function.

Submission:

Labcorp Genetics (formerly Invitae), Labcorp
Classification: Uncertain significance for Leber congenital amaurosis 2; Retinitis pigmentosa 20. Last evaluated: 2024-11-18. Review status: criteria provided, single submitter. Criteria: Invitae Variant Classification Sherloc (09022015). Collection method: clinical testing. Allele origin: germline.
Comment: This sequence change replaces serine, which is neutral and polar, with leucine, which is neutral and non-polar, at codon 24 of the RPE65 protein (p.Ser24Leu). This variant is present in population databases (no rsID available, gnomAD 0.0009%). This variant has not been reported in the literature in individuals affected with RPE65-related conditions. Invitae Evidence Modeling of protein sequence and biophysical properties (such as structural, functional, and spatial information, amino acid conservation, physicochemical variation, residue mobility, and thermodynamic stability) indicates that this missense variant is not expected to disrupt RPE65 protein function with a negative predictive value of 80%. In summary, the available evidence is currently insufficient to determine the role of this variant in disease. Therefore, it has been classified as a Variant of Uncertain Significance.

NM_000329.3(RPE65):c.71C>T (p.Ser24Leu)

Gene: RPE65 (retinoid isomerohydrolase RPE65; minus strand). Cytogenetic location: 1p31.3.
Variant type: single nucleotide variant.
Coding change: c.71C>T on transcript NM_000329.3 (MANE Select); coding-DNA position 71, C replaced by T.
Protein change: p.Ser24Leu; replaces serine 24 with leucine.
Molecular consequence: missense variant. On other transcripts: 5 prime UTR variant (1), intron variant (1).
Genome position (GRCh38, 1-based): chr1:68,448,647, G>A on the plus strand (C>T on the coding strand, the complement: RPE65 is on the minus strand). VCF-style: chr1-68448647-G-A. GRCh37 (hg19) VCF-style: chr1-68914330-G-A.
Other names: c.71C>T, p.Ser24Leu (NM_001406853.1, NM_001406859.1, NM_001406860.1); c.-55C>T (NM_001406856.1); c.-183+1248C>T (NM_001406857.1); short protein forms S24L.
Identifiers: ClinVar variation 3760510 (VCV003760510.1).